The following is an entry in ClinVar:

NM_000368.5(TSC1):c.2645C>G (p.Ala882Gly)

Gene: TSC1 (TSC complex subunit 1; minus strand). Cytogenetic location: 9q34.13.
Variant type: single nucleotide variant.
Coding change: c.2645C>G on transcript NM_000368.5 (MANE Select); coding-DNA position 2645, C replaced by G.
Protein change: p.Ala882Gly; replaces alanine 882 with glycine.
Molecular consequence: missense variant.
Genome position (GRCh38, 1-based): chr9:132,897,591, G>C on the plus strand (C>G on the coding strand, the complement: TSC1 is on the minus strand). VCF-style: chr9-132897591-G-C. GRCh37 (hg19) VCF-style: chr9-135772978-G-C.
Other names: c.2642C>G, p.Ala881Gly (NM_001162426.2, NM_001406597.1, NM_001406598.1 and 2 more transcripts); c.2492C>G, p.Ala831Gly (NM_001162427.2, NM_001406610.1); c.2627C>G, p.Ala876Gly (NM_001406603.1, NM_001406604.1); c.2603C>G, p.Ala868Gly (NM_001406605.1, NM_001406606.1, NM_001406607.1); c.2600C>G, p.Ala867Gly (NM_001406608.1, NM_001406609.1); c.2282C>G, p.Ala761Gly (NM_001362177.2, NM_001406614.1, NM_001406615.1 and 4 more transcripts); c.2645C>G, p.Ala882Gly (NM_001406592.1, NM_001406593.1, NM_001406594.1 and 2 more transcripts); c.2630C>G, p.Ala877Gly (NM_001406601.1, NM_001406602.1); and 8 more; short protein forms A760G, A761G, A830G, A876G, A531G, A564G, A565G, A882G.
Identifiers: ClinVar variation 2112048 (VCV002112048.4), dbSNP rs1554813594, ClinGen allele CA375369647.

ClinVar aggregate classification (germline): Uncertain significance (1 of 4 stars; one submission).

Conditions:
Tuberous sclerosis 1 (TSC1). Identifiers: Orphanet 805, MedGen C1854465, MONDO:0008612, OMIM 191100.

Submission:

Labcorp Genetics (formerly Invitae), Labcorp
Classification: Uncertain significance for Tuberous sclerosis 1. Last evaluated: 2022-03-14. Review status: criteria provided, single submitter. Criteria: Invitae Variant Classification Sherloc (09022015). Collection method: clinical testing. Allele origin: germline.
Comment: This sequence change replaces alanine, which is neutral and non-polar, with glycine, which is neutral and non-polar, at codon 882 of the TSC1 protein (p.Ala882Gly). This variant is not present in population databases (gnomAD no frequency). This variant has not been reported in the literature in individuals affected with TSC1-related conditions. Algorithms developed to predict the effect of missense changes on protein structure and function (SIFT, PolyPhen-2, Align-GVGD) all suggest that this variant is likely to be tolerated. In summary, the available evidence is currently insufficient to determine the role of this variant in disease. Therefore, it has been classified as a Variant of Uncertain Significance.